The following is an entry in ClinVar:

NM_015693.4(INTU):c.2739dup (p.Pro914fs)

Gene: INTU (inturned planar cell polarity protein; plus strand). Cytogenetic location: 4q28.1.
Variant type: Duplication.
Coding change: c.2739dup on transcript NM_015693.4 (MANE Select); coding-DNA position 2739, one base duplicated (A; older notation c.2739dupA).
Protein change: p.Pro914fs; shifts the reading frame from proline 914.
Molecular consequence: frameshift variant.
Genome position (GRCh38, 1-based): chr4:127,716,346, A duplicated; the last of 4 consecutive A bases (chr4:127,716,343-127,716,346); duplicating any one gives the same sequence. VCF-style (leftmost placement, unchanged base first): chr4-127716342-C-CA. GRCh37 (hg19) VCF-style: chr4-128637497-C-CA.
Other names: short protein forms P914fs.
Identifiers: ClinVar variation 1923035 (VCV001923035.5), dbSNP rs889622454, ClinGen allele CA105645975.
Genomic context (GRCh38, chr4:127,716,342, plus strand): 5'-GTTGTTTTAATTTCTGAAATGAGTGTGTTCTTTTCTTCTGCAGGAGACTTTTTCTTCATC[C>CA]AAAACCTCAAGAACTTTATGTCTGTTTTCATGACTCAGTCACAGAAATTGCCATTGAAAT-3'

ClinVar aggregate classification (germline): Uncertain significance (1 of 4 stars; one submission).

Submission:

Labcorp Genetics (formerly Invitae), Labcorp
Classification: Uncertain significance. Last evaluated: 2022-06-13. Review status: criteria provided, single submitter. Criteria: Invitae Variant Classification Sherloc (09022015). Collection method: clinical testing. Allele origin: germline.
Comment: This sequence change creates a premature translational stop signal (p.Pro914Thrfs*10) in the INTU gene. While this is not anticipated to result in nonsense mediated decay, it is expected to disrupt the last 29 amino acid(s) of the INTU protein. In summary, the available evidence is currently insufficient to determine the role of this variant in disease. Therefore, it has been classified as a Variant of Uncertain Significance. Experimental studies and prediction algorithms are not available or were not evaluated, and the functional significance of this variant is currently unknown. This variant has not been reported in the literature in individuals affected with INTU-related conditions. This variant is not present in population databases (gnomAD no frequency).